The following is an entry in ClinVar:

NM_024334.3(TMEM43):c.310C>G (p.Pro104Ala)

Gene: TMEM43 (transmembrane protein 43; plus strand). Cytogenetic location: 3p25.1.
Variant type: single nucleotide variant.
Coding change: c.310C>G on transcript NM_024334.3 (MANE Select); coding-DNA position 310, C replaced by G.
Protein change: p.Pro104Ala; replaces proline 104 with alanine.
Molecular consequence: missense variant.
Genome position (GRCh38, 1-based): chr3:14,131,592, C>G. VCF-style: chr3-14131592-C-G. GRCh37 (hg19) VCF-style: chr3-14173092-C-G.
Other names: short protein forms P104A.
Identifiers: ClinVar variation 921649 (VCV000921649.15), dbSNP rs775872602, ClinGen allele CA052843.

ClinVar aggregate classification (germline): Conflicting classifications of pathogenicity. Review status: criteria provided, conflicting classifications (1 of 4 stars). 5 submissions from 5 submitters: Uncertain significance (4); Likely benign (1). Last evaluated 2025-09-05.

Conditions:
Arrhythmogenic right ventricular dysplasia 5. Also called: Arrhythmogenic Right Ventricular Dysplasia/Cardiomyopathy 5; ARRHYTHMOGENIC RIGHT VENTRICULAR DYSPLASIA, FAMILIAL, 5. Identifiers: MedGen C1858379, MONDO:0011459, OMIM 604400.
Cardiomyopathy (CMYO). Also called: Cardiomyopathies. Identifiers: Orphanet 167848, MedGen C0878544, MONDO:0004994, HP:0001638. Inheritance: Various modes of inheritance.
Cardiovascular phenotype. Identifiers: MedGen CN230736.

Allele frequency attached by ClinVar (database versions not stated): TOPMed 0.00002; ExAC 0.00003; gnomAD exomes 0.00004.
gnomAD v4.1: 10 of 1,614,104 alleles (0.00062%); highest among the groups gnomAD compares: Admixed American, 0.017%; no homozygotes.

Submissions (5):

Labcorp Genetics (formerly Invitae), Labcorp
Classification: Uncertain significance for Arrhythmogenic right ventricular dysplasia 5. Last evaluated: 2025-09-05. Review status: criteria provided, single submitter. Criteria: Invitae Variant Classification Sherloc (09022015). Collection method: clinical testing. Allele origin: germline.
Comment: This sequence change replaces proline, which is neutral and non-polar, with alanine, which is neutral and non-polar, at codon 104 of the TMEM43 protein (p.Pro104Ala). This variant is present in population databases (rs775872602, gnomAD 0.03%). This variant has not been reported in the literature in individuals affected with TMEM43-related conditions. ClinVar contains an entry for this variant (Variation ID: 921649). Invitae Evidence Modeling of protein sequence and biophysical properties (such as structural, functional, and spatial information, amino acid conservation, physicochemical variation, residue mobility, and thermodynamic stability) indicates that this missense variant is not expected to disrupt TMEM43 protein function with a negative predictive value of 80%. In summary, the available evidence is currently insufficient to determine the role of this variant in disease. Therefore, it has been classified as a Variant of Uncertain Significance.

All of Us Research Program, National Institutes of Health
Classification: Uncertain significance for Arrhythmogenic right ventricular dysplasia 5. Last evaluated: 2024-07-29. Review status: criteria provided, single submitter. Criteria: ACMG Guidelines, 2015. Collection method: clinical testing. Allele origin: germline. Inheritance: Autosomal dominant inheritance. Observed: 3 variant alleles, 3 heterozygotes.
Comment: This missense variant replaces proline with alanine at codon 104 of the TMEM43 protein. Computational prediction tools and conservation analyses are inconclusive regarding the impact of this variant on the protein function. Computational splicing tools suggest that this variant may not impact RNA splicing. To our knowledge, functional assays have not been performed for this variant nor has this variant been reported in individuals affected with cardiovascular disorders in the literature. This variant has been identified in 11/251210 chromosomes in the general population by the Genome Aggregation Database (gnomAD). Available evidence is insufficient to determine the role of this variant in disease conclusively. Therefore, this variant is classified as a Variant of Uncertain Significance.

This study involves interpretation of variants in research participants for the purpose of population health screening. Participant phenotype was not available at the time of variant classification. Additional details can be found in publication PMID: 35346344, PMCID: PMC8962531

Color Diagnostics, LLC DBA Color Health
Classification: Uncertain significance for Cardiomyopathy. Last evaluated: 2024-03-06. Review status: criteria provided, single submitter. Criteria: ACMG Guidelines, 2015. Collection method: clinical testing. Allele origin: germline.
Comment: This missense variant replaces proline with alanine at codon 104 of the TMEM43 protein. Computational prediction suggests that this variant may not impact protein structure and function (internally defined REVEL score threshold <= 0.5, PMID: 27666373). To our knowledge, functional studies have not been reported for this variant. This variant has not been reported in individuals affected with TMEM43-related disorders in the literature. This variant has been identified in 11/251210 chromosomes in the general population by the Genome Aggregation Database (gnomAD). The available evidence is insufficient to determine the role of this variant in disease conclusively. Therefore, this variant is classified as a Variant of Uncertain Significance.

Clinical Genomics Laboratory, Stanford Medicine
Classification: Uncertain significance for Arrhythmogenic right ventricular dysplasia 5. Last evaluated: 2023-08-29. Review status: criteria provided, single submitter. Criteria: ACMG Guidelines, 2015. Collection method: clinical testing. Allele origin: germline. Observed: 1 variant allele, 1 heterozygote.
Comment: The p.Pro104Ala variant in the TMEM43 gene has not been previously reported in association with disease. This variant has been identified in 11/34,558 Latino/Admixed American chromosomes (11/251,210 chromosomes overall) by the Genome Aggregation Database. This allele frequency is higher than expected for a pathogenic variant. This variant is present in ClinVar (Variation ID: 921649). The proline at position 104 is evolutionarily conserved. Computational tools predict that the p.Pro104Ala variant is neither deleterious nor benign; however, the accuracy of in silico algorithms is limited. These data were assessed using the ACMG/AMP variant interpretation guidelines. In summary, the significance of the p.Pro104Ala variant is uncertain. Additional information is needed to resolve the significance of this variant. [ACMG evidence codes used: BS1_Supporting]

Ambry Genetics
Classification: Likely benign for Cardiovascular phenotype. Last evaluated: 2022-09-12. Review status: criteria provided, single submitter. Criteria: Ambry Variant Classification Scheme 2023. Collection method: clinical testing. Allele origin: germline.